The following is an entry in ClinVar:

NM_005120.3(MED12):c.2259G>A (p.Arg753=)

Gene: MED12 (mediator complex subunit 12; plus strand). Cytogenetic location: Xq13.1.
Variant type: single nucleotide variant.
Coding change: c.2259G>A on transcript NM_005120.3 (MANE Select); coding-DNA position 2259, G replaced by A.
Protein change: p.Arg753=; no amino-acid change (arginine 753 retained).
Molecular consequence: synonymous variant.
Genome position (GRCh38, 1-based): chrX:71,125,383, G>A. VCF-style: chrX-71125383-G-A. GRCh37 (hg19) VCF-style: chrX-70345233-G-A.
Other names: p.Arg753=.
Identifiers: ClinVar variation 129590 (VCV000129590.23), dbSNP rs61752446, ClinGen allele CA288955.

ClinVar aggregate classification (germline): Benign. Review status: criteria provided, multiple submitters, no conflicts (2 of 4 stars). 6 submissions from 6 submitters: Benign (6). Last evaluated 2026-02-03.

Conditions:
FG syndrome (FGS). Identifiers: MedGen C0220769, MONDO:0002010.
Familial thoracic aortic aneurysm and aortic dissection (TAAD). Also called: Thoracic aortic aneurysms and dissections. Identifiers: Orphanet 91387, MedGen C4707243, MONDO:0019625.

Allele frequency attached by ClinVar (database versions not stated): gnomAD exomes 0.00162 and 0.00478; ExAC 0.00624; gnomAD 0.01806 and 0.01916; TOPMed 0.02089; ESP Exome Variant Server 0.02145; 1000 Genomes Project 30x 0.02268; 1000 Genomes Project 0.02278.
gnomAD v4.1: 3,871 of 1,208,506 alleles (0.32%); highest among the groups gnomAD compares: African/African-American, 6%; 71 homozygotes.

Submissions (6):

Labcorp Genetics (formerly Invitae), Labcorp
Classification: Benign for FG syndrome. Last evaluated: 2026-02-03. Review status: criteria provided, single submitter. Criteria: Invitae Variant Classification Sherloc (09022015). Collection method: clinical testing. Allele origin: germline.

Mayo Clinic Laboratories, Mayo Clinic
Classification: Benign. Last evaluated: 2023-04-16. Review status: criteria provided, single submitter. Criteria: ACMG Guidelines, 2015. Collection method: clinical testing. Allele origin: germline. Observed: 5 variant alleles.

Ambry Genetics
Classification: Benign for Familial thoracic aortic aneurysm and aortic dissection. Last evaluated: 2015-07-20. Review status: criteria provided, single submitter. Criteria: Ambry Variant Classification Scheme 2023. Collection method: clinical testing. Allele origin: germline.

GeneDx
Classification: Benign. Last evaluated: 2014-09-04. Review status: criteria provided, single submitter. Criteria: GeneDx Variant Classification (06012015). Collection method: clinical testing. Allele origin: germline. Affected: yes.
Comment: This variant is considered likely benign or benign based on one or more of the following criteria: it is a conservative change, it occurs at a poorly conserved position in the protein, it is predicted to be benign by multiple in silico algorithms, and/or has population frequency not consistent with disease.

Genetic Services Laboratory, University of Chicago
Classification: Benign for AllHighlyPenetrant. Last evaluated: 2013-07-08. Review status: criteria provided, single submitter. Criteria: ACMG Guidelines, 2007. Collection method: clinical testing. Allele origin: germline. Inheritance: X-linked inheritance.

Breakthrough Genomics
Classification: Benign. Review status: criteria provided, single submitter. Criteria: ACMG Guidelines, 2015. Collection method: not provided. Allele origin: germline. Inheritance: X-linked inheritance. Affected: yes.